The following is an entry in ClinVar:

NM_024105.4(ALG12):c.374T>C (p.Met125Thr)

Gene: ALG12 (ALG12 alpha-1,6-mannosyltransferase; minus strand). Cytogenetic location: 22q13.33.
Variant type: single nucleotide variant.
Coding change: c.374T>C on transcript NM_024105.4 (MANE Select); coding-DNA position 374, T replaced by C.
Protein change: p.Met125Thr; replaces methionine 125 with threonine.
Molecular consequence: missense variant.
Genome position (GRCh38, 1-based): chr22:49,910,529, A>G on the plus strand (T>C on the coding strand, the complement: ALG12 is on the minus strand). VCF-style: chr22-49910529-A-G. GRCh37 (hg19) VCF-style: chr22-50304177-A-G.
Other names: short protein forms M125T.
Identifiers: ClinVar variation 2008659 (VCV002008659.2), dbSNP rs2519269495, ClinGen allele CA412078265.

ClinVar aggregate classification (germline): Uncertain significance (1 of 4 stars; one submission).

Conditions:
ALG12-congenital disorder of glycosylation (CDG1G). Also called: ALG12-CDG; Congenital disorder of glycosylation, type Ig; CDG Ig. Identifiers: Orphanet 79324, MedGen C2931001, MONDO:0011783, OMIM 607143.

Submission:

Labcorp Genetics (formerly Invitae), Labcorp
Classification: Uncertain significance for ALG12-congenital disorder of glycosylation. Last evaluated: 2023-10-09. Review status: criteria provided, single submitter. Criteria: Invitae Variant Classification Sherloc (09022015). Collection method: clinical testing. Allele origin: germline.
Comment: This sequence change replaces methionine, which is neutral and non-polar, with threonine, which is neutral and polar, at codon 125 of the ALG12 protein (p.Met125Thr). This variant is not present in population databases (gnomAD no frequency). This variant has not been reported in the literature in individuals affected with ALG12-related conditions. ClinVar contains an entry for this variant (Variation ID: 2008659). Advanced modeling of protein sequence and biophysical properties (such as structural, functional, and spatial information, amino acid conservation, physicochemical variation, residue mobility, and thermodynamic stability) performed at Invitae indicates that this missense variant is not expected to disrupt ALG12 protein function. In summary, the available evidence is currently insufficient to determine the role of this variant in disease. Therefore, it has been classified as a Variant of Uncertain Significance.